The following is an entry in ClinVar:

ClinVar aggregate classification (germline): Uncertain significance (1 of 4 stars; one submission).

Submission:

GeneDx
Classification: Uncertain significance. Last evaluated: 2022-09-07. Review status: criteria provided, single submitter. Criteria: GeneDx Variant Classification Process June 2021. Collection method: clinical testing. Allele origin: germline. Affected: yes.
Comment: Not observed at significant frequency in large population cohorts (gnomAD); In silico analysis supports that this missense variant has a deleterious effect on protein structure/function; Has not been previously published as pathogenic or benign to our knowledge

NM_001378452.1(ITPR1):c.3912C>A (p.His1304Gln)

Gene: ITPR1 (inositol 1,4,5-trisphosphate receptor type 1; plus strand). Cytogenetic location: 3p26.1.
Variant type: single nucleotide variant.
Coding change: c.3912C>A on transcript NM_001378452.1 (MANE Select); coding-DNA position 3912, C replaced by A.
Protein change: p.His1304Gln; replaces histidine 1304 with glutamine.
Molecular consequence: missense variant.
Genome position (GRCh38, 1-based): chr3:4,691,227, C>A. VCF-style: chr3-4691227-C-A. GRCh37 (hg19) VCF-style: chr3-4732911-C-A.
Other names: c.3885C>A, p.His1295Gln (NM_001099952.4); c.3867C>A, p.His1289Gln (NM_001168272.2); c.3840C>A, p.His1280Gln (NM_002222.7); short protein forms H1280Q, H1289Q, H1295Q, H1304Q.
Identifiers: ClinVar variation 2443422 (VCV002443422.1), dbSNP rs556943368, ClinGen allele CA351630630.